The following is an entry in ClinVar:

ClinVar aggregate classification (germline): Uncertain significance. Review status: criteria provided, multiple submitters, no conflicts (2 of 4 stars). 2 submissions from 2 submitters: Uncertain significance (2). Last evaluated 2025-01-22.

Conditions:
Epilepsy, X-linked 1, with variable learning disabilities and behavior disorders. Also called: X-linked epilepsy-learning disabilities-behavior disorders syndrome. Identifiers: Orphanet 85294, MedGen C5774177, MONDO:0010339, OMIM 300491.

gnomAD v4.1: 2 of 1,185,219 alleles (0.00017%); highest among the groups gnomAD compares: Admixed American, 0.0023%; no homozygotes.

Submissions (2):

GeneDx
Classification: Uncertain significance. Last evaluated: 2025-01-22. Review status: criteria provided, single submitter. Criteria: GeneDx Variant Classification Process June 2021. Collection method: clinical testing. Allele origin: germline. Affected: yes.
Comment: In silico analysis indicates that this missense variant does not alter protein structure/function; Has not been previously published as pathogenic or benign to our knowledge

Labcorp Genetics (formerly Invitae), Labcorp
Classification: Uncertain significance for Epilepsy, X-linked 1, with variable learning disabilities and behavior disorders. Last evaluated: 2024-11-12. Review status: criteria provided, single submitter. Criteria: Invitae Variant Classification Sherloc (09022015). Collection method: clinical testing. Allele origin: germline.
Comment: This sequence change replaces alanine, which is neutral and non-polar, with valine, which is neutral and non-polar, at codon 60 of the SYN1 protein (p.Ala60Val). The frequency data for this variant in the population databases is considered unreliable, as metrics indicate poor data quality at this position in the gnomAD database. This variant has not been reported in the literature in individuals affected with SYN1-related conditions. An algorithm developed to predict the effect of missense changes on protein structure and function outputs the following: PolyPhen-2: "Benign". The valine amino acid residue is found in multiple mammalian species, which suggests that this missense change does not adversely affect protein function. In summary, the available evidence is currently insufficient to determine the role of this variant in disease. Therefore, it has been classified as a Variant of Uncertain Significance.

NM_006950.3(SYN1):c.179C>T (p.Ala60Val)

Gene: SYN1 (synapsin I; minus strand). Cytogenetic location: Xp11.23.
Variant type: single nucleotide variant.
Coding change: c.179C>T on transcript NM_006950.3 (MANE Select); coding-DNA position 179, C replaced by T.
Protein change: p.Ala60Val; replaces alanine 60 with valine.
Molecular consequence: missense variant.
Genome position (GRCh38, 1-based): chrX:47,619,550, G>A on the plus strand (C>T on the coding strand, the complement: SYN1 is on the minus strand). VCF-style: chrX-47619550-G-A. GRCh37 (hg19) VCF-style: chrX-47478949-G-A.
Other names: c.179C>T, p.Ala60Val (NM_133499.2); short protein forms A60V.
Identifiers: ClinVar variation 3707839 (VCV003707839.3).